The following is an entry in ClinVar:

ClinVar aggregate classification (germline): Uncertain significance (1 of 4 stars; one submission).

Conditions:
Hereditary cancer-predisposing syndrome. Also called: Neoplastic Syndromes, Hereditary; Tumor predisposition; Hereditary Cancer Syndrome; Hereditary neoplastic syndrome. Identifiers: Orphanet 140162, MedGen C0027672, MeSH D009386, MONDO:0015356.

Submission:

Ambry Genetics
Classification: Uncertain significance for Hereditary cancer-predisposing syndrome. Last evaluated: 2024-11-08. Review status: criteria provided, single submitter. Criteria: Ambry Variant Classification Scheme 2023. Collection method: clinical testing. Allele origin: germline.
Comment: The p.Y753H variant (also known as c.2257T>C), located in coding exon 18 of the POLD1 gene, results from a T to C substitution at nucleotide position 2257. The tyrosine at codon 753 is replaced by histidine, an amino acid with similar properties. This amino acid position is highly conserved in available vertebrate species. In addition, this alteration is predicted to be deleterious by in silico analysis. Based on the available evidence, the clinical significance of this variant remains unclear.

NM_002691.4(POLD1):c.2257T>C (p.Tyr753His)

Gene: POLD1 (DNA polymerase delta 1, catalytic subunit; plus strand). Cytogenetic location: 19q13.33.
Variant type: single nucleotide variant.
Coding change: c.2257T>C on transcript NM_002691.4 (MANE Select); coding-DNA position 2257, T replaced by C.
Protein change: p.Tyr753His; replaces tyrosine 753 with histidine.
Molecular consequence: missense variant. On other transcripts: non-coding transcript variant (1).
Genome position (GRCh38, 1-based): chr19:50,413,748, T>C. VCF-style: chr19-50413748-T-C. GRCh37 (hg19) VCF-style: chr19-50917005-T-C.
Other names: c.2257T>C, p.Tyr753His (NM_001256849.1); c.2335T>C, p.Tyr779His (NM_001308632.1); short protein forms Y753H, Y779H.
Identifiers: ClinVar variation 3421969 (VCV003421969.1).